The following is an entry in ClinVar:

ClinVar aggregate classification (germline): Conflicting classifications of pathogenicity. Review status: criteria provided, conflicting classifications (1 of 4 stars). 4 submissions from 4 submitters: Uncertain significance (2); Likely benign (2). Last evaluated 2025-05-29.

Conditions:
Congenital multicore myopathy with external ophthalmoplegia (CMYO1B). Also called: MULTICORE MYOPATHY; MULTIMINICORE DISEASE WITH EXTERNAL OPHTHALMOPLEGIA; Congenital myopathy 1B, autosomal recessive; Minicore myopathy; Minicore myopathy with external ophthalmoplegia. Identifiers: Orphanet 598, Orphanet 98905, MedGen C1850674, MONDO:0009712, OMIM 255320, HP:0003789.
Central core myopathy (CMYO1A). Also called: CONGENITAL MYOPATHY 1A, AUTOSOMAL DOMINANT, WITH SUSCEPTIBILITY TO MALIGNANT HYPERTHERMIA; Central core disease; Myopathy, central fibrillar. Identifiers: Orphanet 597, MedGen C5830701, MONDO:0007294, OMIM 117000.
Malignant hyperthermia, susceptibility to, 1 (MHS1). Also called: RYR1-Related Malignant Hyperthermia Susceptibility; Malignant hyperthermia suceptibility 1; Anesthesia related hyperthermia; Malignant hyperpyrexia; Fulminating hyperpyrexia; Pharmacogenic myopathy. Identifiers: Orphanet 423, MedGen C2930980, MONDO:0007783, OMIM 145600.
Congenital myopathy with fiber type disproportion. Also called: Congenital fiber-type disproportion; Congenital fiber-type disproportion myopathy. Identifiers: Orphanet 2020, MedGen C0546264, MONDO:0009711. Inheritance: all.
King Denborough syndrome (KDS). Identifiers: MedGen C1840365, MONDO:0020485, OMIM 619542.
RYR1-related disorder. Also called: RYR1-related disorders; RYR1-related condition. Identifiers: MedGen CN239331.

Allele frequency attached by ClinVar (database versions not stated): gnomAD 0.00001; gnomAD exomes 0.00001; TOPMed 0.00001.
gnomAD v4.1: 22 of 1,613,434 alleles (0.0014%); highest among the groups gnomAD compares: Non-Finnish European, 0.0019%; no homozygotes.

Submissions (4):

Color Diagnostics, LLC DBA Color Health
Classification: Likely benign for Malignant hyperthermia, susceptibility to, 1. Last evaluated: 2025-05-29. Review status: criteria provided, single submitter. Criteria: ACMG Guidelines, 2015. Collection method: clinical testing. Allele origin: germline.

Labcorp Genetics (formerly Invitae), Labcorp
Classification: Likely benign for RYR1-related disorder. Last evaluated: 2024-02-19. Review status: criteria provided, single submitter. Criteria: Invitae Variant Classification Sherloc (09022015). Collection method: clinical testing. Allele origin: germline.

Fulgent Genetics
Classification: Uncertain significance for Central core myopathy; Malignant hyperthermia, susceptibility to, 1; Congenital myopathy 4A, autosomal dominant; Congenital multicore myopathy with external ophthalmoplegia; King Denborough syndrome. Last evaluated: 2021-09-09. Review status: criteria provided, single submitter. Criteria: ACMG Guidelines, 2015. Collection method: clinical testing. Allele origin: unknown.

GeneDx
Classification: Uncertain significance. Last evaluated: 2016-09-22. Review status: criteria provided, single submitter. Criteria: GeneDx Variant Classification (06012015). Collection method: clinical testing. Allele origin: germline. Affected: yes.
Comment: The c.14304-6 C>A variant in the RYR1 gene has not been reported previously as a disease-causing mutation nor as a benign polymorphism, to our knowledge. The c.14304-6 C>A splice site variant damages the natural splice acceptor site in intron 98. In silico algorithms predict this variant may result in abnormal gene splicing, either leading to an abnormal message that is subject to nonsense-mediated mRNA decay, or to an abnormal protein product if the message is used for protein translation. The c.14304-6 C>A variant was not observed in approximately 6,500 individuals of European and African American ancestry in the NHLBI Exome Sequencing Project, indicating it is not a common benign variant in these populations. We interpret c.14304-6 C>A as a variant of unknown significance. The variant is found in RYR1 panel(s).

NM_000540.3(RYR1):c.14304-6C>A

Gene: RYR1 (ryanodine receptor 1; plus strand). Cytogenetic location: 19q13.2.
Variant type: single nucleotide variant.
Coding change: c.14304-6C>A on transcript NM_000540.3 (MANE Select); 6 bases into the intron before coding-DNA position 14304, C replaced by A.
Molecular consequence: intron variant.
Genome position (GRCh38, 1-based): chr19:38,578,138, C>A. VCF-style: chr19-38578138-C-A. GRCh37 (hg19) VCF-style: chr19-39068778-C-A.
Other names: c.14289-6C>A (NM_001042723.2).
Identifiers: ClinVar variation 201143 (VCV000201143.11), dbSNP rs794728693, ClinGen allele CA024125.